The following is an entry in ClinVar:

NM_181078.3(IL21R):c.824G>A (p.Arg275Gln)

Gene: IL21R (interleukin 21 receptor; plus strand). Cytogenetic location: 16p12.1.
Variant type: single nucleotide variant.
Coding change: c.824G>A on transcript NM_181078.3 (MANE Select); coding-DNA position 824, G replaced by A.
Protein change: p.Arg275Gln; replaces arginine 275 with glutamine.
Molecular consequence: missense variant.
Genome position (GRCh38, 1-based): chr16:27,446,045, G>A. VCF-style: chr16-27446045-G-A. GRCh37 (hg19) VCF-style: chr16-27457366-G-A.
Other names: p.Arg275Gln; c.824G>A, p.Arg275Gln (NM_021798.4); c.890G>A, p.Arg297Gln (NM_181079.5); short protein forms R297Q, R275Q.
Identifiers: ClinVar variation 252799 (VCV000252799.67), dbSNP rs52822694, ClinGen allele CA7975082.

ClinVar aggregate classification (germline): Conflicting classifications of pathogenicity. Review status: criteria provided, conflicting classifications (1 of 4 stars). 7 submissions from 7 submitters: Uncertain significance (2); Benign (3); Likely benign (2). Last evaluated 2026-10-01.

Conditions:
Cryptosporidiosis-chronic cholangitis-liver disease syndrome. Also called: Immunodeficiency type 56; IL21R immunodeficiency. Identifiers: Orphanet 357329, MedGen C3554687, MONDO:0014082, OMIM 615207.
IgE responsiveness, atopic. Also called: IMMUNOGLOBULIN E, BASIC LEVEL OF, IN SERUM. Identifiers: MedGen C1840253, MONDO:0007817, OMIM 147050.
Inborn genetic diseases. Identifiers: MedGen C0950123, MeSH D030342.

Allele frequency attached by ClinVar (database versions not stated): 1000 Genomes Project 30x 0.00219; 1000 Genomes Project 0.00220; gnomAD 0.00673; TOPMed 0.00690; ESP Exome Variant Server 0.00877.
gnomAD v4.1: 15,723 of 1,613,584 alleles (0.97%); highest among the groups gnomAD compares: Non-Finnish European, 1.2%; 106 homozygotes.

Submissions (7):

CeGaT Center for Human Genetics Tuebingen
Classification: Benign. Last evaluated: 2026-10-01. Review status: criteria provided, single submitter. Criteria: CeGaT Center For Human Genetics Tuebingen Variant Classification Criteria Version 2. Collection method: clinical testing. Allele origin: germline. Affected: yes. Observed: 13 variant alleles.
Comment: IL21R: BP4, BS1, BS2

Labcorp Genetics (formerly Invitae), Labcorp
Classification: Benign for Cryptosporidiosis-chronic cholangitis-liver disease syndrome. Last evaluated: 2026-02-04. Review status: criteria provided, single submitter. Criteria: Invitae Variant Classification Sherloc (09022015). Collection method: clinical testing. Allele origin: germline.

ARUP Laboratories, Molecular Genetics and Genomics, ARUP Laboratories
Classification: Likely benign for Cryptosporidiosis-chronic cholangitis-liver disease syndrome. Last evaluated: 2025-05-09. Review status: criteria provided, single submitter. Criteria: ARUP Molecular Germline Variant Investigation Process 2024. Collection method: clinical testing. Allele origin: germline.

Mayo Clinic Laboratories, Mayo Clinic
Classification: Benign. Last evaluated: 2024-07-15. Review status: criteria provided, single submitter. Criteria: ACMG Guidelines, 2015. Collection method: clinical testing. Allele origin: germline. Observed: 13 variant alleles.

Ambry Genetics
Classification: Likely benign for Inborn genetic diseases. Last evaluated: 2021-08-16. Review status: criteria provided, single submitter. Criteria: Ambry Variant Classification Scheme 2023. Collection method: clinical testing. Allele origin: germline.

Genomic Diagnostic Laboratory, Division of Genomic Diagnostics, Children's Hospital of Philadelphia
Classification: Uncertain significance. Last evaluated: 2015-11-24. Review status: criteria provided, single submitter. Criteria: DGD Variant Analysis Guidelines. Collection method: clinical testing. Allele origin: unknown.

Center for Genomics, Ann and Robert H. Lurie Children's Hospital of Chicago
Classification: Uncertain significance for IgE responsiveness, atopic; Cryptosporidiosis-chronic cholangitis-liver disease syndrome. Review status: criteria provided, single submitter. Criteria: ACMG Guidelines, 2015. Collection method: clinical testing. Allele origin: germline.
Comment: IL21R NM_021798.3 exon 8 p.Arg275Gln (c.824G>A): This variant has not been reported in the literature but is present in 0.9% (1254/128760) of European alleles, including 9 homozygotes in the Genome Aggregation Database. This variant is present in ClinVar (Variation ID: 252799). This variant amino acid Glutamine (Gln) is present in >10 species and is not well conserved among evolutionarily distant species; this suggests that this variant may not impact the protein. Additional computational prediction tools do not suggest an impact. In summary, data on this variant is insufficient for disease classification. Therefore, the clinical significance of this variant is uncertain.